The following is an entry in ClinVar:

ClinVar aggregate classification (germline): Uncertain significance (1 of 4 stars; one submission).

Allele frequency attached by ClinVar (database versions not stated): gnomAD exomes 0.00007; TOPMed 0.00007; ESP Exome Variant Server 0.00008; ExAC 0.00006; gnomAD 0.00008.
gnomAD v4.1: 115 of 1,613,834 alleles (0.0071%); highest among the groups gnomAD compares: Admixed American, 0.02%; no homozygotes.

Submission:

Ambry Genetics
Classification: Uncertain significance. Last evaluated: 2025-10-22. Review status: criteria provided, single submitter. Criteria: Ambry Variant Classification Scheme 2023. Collection method: clinical testing. Allele origin: germline.
Comment: The c.766C>T (p.R256C) alteration is located in exon 4 (coding exon 3) of the FOXM1 gene. This alteration results from a C to T substitution at nucleotide position 766, causing the arginine (R) at amino acid position 256 to be replaced by a cysteine (C). Based on data from gnomAD, the T allele has an overall frequency of 0.006% (17/282644) total alleles studied. The highest observed frequency was 0.028% (10/35330) of Latino alleles. Based on insufficient or conflicting evidence, the clinical significance of this alteration remains unclear.

NM_021953.4(FOXM1):c.766C>T (p.Arg256Cys)

Gene: FOXM1 (forkhead box M1; minus strand). Cytogenetic location: 12p13.33.
Variant type: single nucleotide variant.
Coding change: c.766C>T on transcript NM_021953.4 (MANE Select); coding-DNA position 766, C replaced by T.
Protein change: p.Arg256Cys; replaces arginine 256 with cysteine.
Molecular consequence: missense variant.
Genome position (GRCh38, 1-based): chr12:2,868,643, G>A on the plus strand (C>T on the coding strand, the complement: FOXM1 is on the minus strand). VCF-style: chr12-2868643-G-A. GRCh37 (hg19) VCF-style: chr12-2977809-G-A.
Other names: c.766C>T, p.Arg256Cys (NM_001413925.1, NM_001413927.1, NM_001413929.1 and 7 more transcripts); c.763C>T, p.Arg255Cys (NM_001413926.1, NM_001413928.1, NM_001413930.1 and 8 more transcripts); c.43C>T, p.Arg15Cys (NM_001413935.1, NM_001413936.1); short protein forms R255C, R15C, R256C.
Identifiers: ClinVar variation 2516304 (VCV002516304.3), dbSNP rs137928577, ClinGen allele CA6392014.